The following is an entry in ClinVar:

ClinVar aggregate classification (germline): Uncertain significance. Review status: criteria provided, multiple submitters, no conflicts (2 of 4 stars). 2 submissions from 2 submitters: Uncertain significance (2). Last evaluated 2025-08-11.

Conditions:
Episodic ataxia type 2 (EA2). Also called: ATAXIA, EPISODIC, WITH NYSTAGMUS; ATAXIA, FAMILIAL PAROXYSMAL; CEREBELLAR ATAXIA, PAROXYSMAL, ACETAZOLAMIDE-RESPONSIVE; CEREBELLOPATHY, HEREDITARY PAROXYSMAL; ACETAZOLAMIDE-RESPONSIVE HEREDITARY PAROXYSMAL CEREBELLAR ATAXIA; EPISODIC ATAXIA, NYSTAGMUS-ASSOCIATED. Identifiers: Orphanet 97, MedGen C1720416, MONDO:0007163, OMIM 108500.
Developmental and epileptic encephalopathy, 42 (DEE42A). Also called: DEVELOPMENTAL AND EPILEPTIC ENCEPHALOPATHY 42A; EPILEPTIC ENCEPHALOPATHY, EARLY INFANTILE, 42A; Epileptic encephalopathy, early infantile, 42. Identifiers: MedGen C4310716, MONDO:0014917, OMIM 617106.

Submissions (2):

Labcorp Genetics (formerly Invitae), Labcorp
Classification: Uncertain significance for Developmental and epileptic encephalopathy, 42; Episodic ataxia type 2. Last evaluated: 2025-08-11. Review status: criteria provided, single submitter. Criteria: Invitae Variant Classification Sherloc (09022015). Collection method: clinical testing. Allele origin: germline.
Comment: This sequence change replaces arginine, which is basic and polar, with leucine, which is neutral and non-polar, at codon 2254 of the CACNA1A protein (p.Arg2254Leu). This variant is not present in population databases (gnomAD no frequency). This variant has not been reported in the literature in individuals affected with CACNA1A-related conditions. ClinVar contains an entry for this variant (Variation ID: 1496183). Invitae Evidence Modeling of protein sequence and biophysical properties (such as structural, functional, and spatial information, amino acid conservation, physicochemical variation, residue mobility, and thermodynamic stability) indicates that this missense variant is not expected to disrupt CACNA1A protein function with a negative predictive value of 95%. In summary, the available evidence is currently insufficient to determine the role of this variant in disease. Therefore, it has been classified as a Variant of Uncertain Significance.

GeneDx
Classification: Uncertain significance. Last evaluated: 2025-01-21. Review status: criteria provided, single submitter. Criteria: GeneDx Variant Classification Process June 2021. Collection method: clinical testing. Allele origin: germline. Affected: yes.
Comment: Not observed at significant frequency in large population cohorts (gnomAD); In silico analysis supports that this missense variant has a deleterious effect on protein structure/function; Has not been previously published as pathogenic or benign to our knowledge

NM_001127222.2(CACNA1A):c.6758G>T (p.Arg2253Leu)

Genes: CACNA1A (calcium voltage-gated channel subunit alpha1 A; minus strand), LOC130063717 (ATAC-STARR-seq lymphoblastoid silent region 10203; plus strand). Cytogenetic location: 19p13.13.
Variant type: single nucleotide variant.
Coding change: c.6758G>T on transcript NM_001127222.2 (MANE Select); coding-DNA position 6758, G replaced by T.
Protein change: p.Arg2253Leu; replaces arginine 2253 with leucine.
Molecular consequence: missense variant.
Genome position (GRCh38, 1-based): chr19:13,208,778, C>A on the plus strand (G>T on the coding strand, the complement: CACNA1A is on the minus strand). VCF-style: chr19-13208778-C-A. GRCh37 (hg19) VCF-style: chr19-13319592-C-A.
Other names: c.6776G>T, p.Arg2259Leu (NM_000068.4, NM_023035.3); c.6761G>T, p.Arg2254Leu (NM_001127221.2); c.6767G>T, p.Arg2256Leu (NM_001174080.2); c.6761G>T (NM_001127221.1); short protein forms R2256L, R2253L, R2254L, R2259L.
Identifiers: ClinVar variation 1496183 (VCV001496183.9), dbSNP rs752950486, ClinGen allele CA404329409.